The following is an entry in ClinVar:

NM_002203.4(ITGA2):c.636G>T (p.Gly212=)

Gene: ITGA2 (integrin subunit alpha 2; plus strand). Cytogenetic location: 5q11.2.
Variant type: single nucleotide variant.
Coding change: c.636G>T on transcript NM_002203.4 (MANE Select); coding-DNA position 636, G replaced by T.
Protein change: p.Gly212=; no amino-acid change (glycine 212 retained).
Molecular consequence: synonymous variant. On other transcripts: non-coding transcript variant (5).
Genome position (GRCh38, 1-based): chr5:53,051,416, G>T. VCF-style: chr5-53051416-G-T. GRCh37 (hg19) VCF-style: chr5-52347246-G-T.
Identifiers: ClinVar variation 353739 (VCV000353739.6), dbSNP rs373539496, ClinGen allele CA3262675.

ClinVar aggregate classification (germline): Benign/Likely benign. Review status: criteria provided, multiple submitters, no conflicts (2 of 4 stars). 2 submissions from 2 submitters: Benign (1); Likely benign (1). Last evaluated 2024-11-21.

Conditions:
Platelet-type bleeding disorder 9 (BDPLT9). Also called: GLYCOPROTEIN Ia DEFICIENCY; GP Ia DEFICIENCY; COLLAGEN PLATELET RECEPTOR DEFICIENCY. Identifiers: Orphanet 73271, Orphanet 98886, MedGen C3280114, MONDO:0013622, OMIM 614200.

Allele frequency attached by ClinVar (database versions not stated): gnomAD 0.00001; TOPMed 0.00004; ESP Exome Variant Server 0.00008; ExAC 0.00009.
gnomAD v4.1: 138 of 1,613,152 alleles (0.0086%); highest among the groups gnomAD compares: Middle Eastern, 0.63%; 1 homozygote.

Submissions (2):

Blueprint Genetics
Classification: Likely benign. Last evaluated: 2024-11-21. Review status: criteria provided, single submitter. Criteria: ACMG Guidelines, 2015. Collection method: clinical testing. Allele origin: germline.

Illumina Laboratory Services, Illumina
Classification: Benign for Platelet-type bleeding disorder 9. Last evaluated: 2018-01-13. Review status: criteria provided, single submitter. Criteria: ICSL Variant Classification Criteria 13 December 2019. Collection method: clinical testing. Allele origin: germline.
Comment: This variant was observed in the ICSL laboratory as part of a predisposition screen in an ostensibly healthy population. It had not been previously curated by ICSL or reported in the Human Gene Mutation Database (HGMD: prior to June 1st, 2018), and was therefore a candidate for classification through an automated scoring system. Utilizing variant allele frequency, disease prevalence and penetrance estimates, and inheritance mode, an automated score was calculated to assess if this variant is too frequent to cause the disease. Based on the score and internal cut-off values, a variant classified as benign is not then subjected to further curation. The score for this variant resulted in a classification of benign for this disease.